The following is an entry in ClinVar:

ClinVar aggregate classification (germline): Uncertain significance (1 of 4 stars; one submission).

Submission:

Labcorp Genetics (formerly Invitae), Labcorp
Classification: Uncertain significance. Last evaluated: 2024-10-23. Review status: criteria provided, single submitter. Criteria: Invitae Variant Classification Sherloc (09022015). Collection method: clinical testing. Allele origin: germline.
Comment: This sequence change falls in intron 13 of the LZTR1 gene. It does not directly change the encoded amino acid sequence of the LZTR1 protein. It affects a nucleotide within the consensus splice site. This variant is not present in population databases (gnomAD no frequency). This variant has not been reported in the literature in individuals affected with LZTR1-related conditions. Variants that disrupt the consensus splice site are a relatively common cause of aberrant splicing (PMID: 17576681, 9536098). Algorithms developed to predict the effect of sequence changes on RNA splicing suggest that this variant may disrupt the consensus splice site. In summary, the available evidence is currently insufficient to determine the role of this variant in disease. Therefore, it has been classified as a Variant of Uncertain Significance.

Literature cited by the submitters: PubMed 17576681; PubMed 9536098.

NM_006767.4(LZTR1):c.1450-3C>G

Gene: LZTR1 (leucine zipper like post translational regulator 1; plus strand). Cytogenetic location: 22q11.21.
Variant type: single nucleotide variant.
Coding change: c.1450-3C>G on transcript NM_006767.4 (MANE Select); 3 bases into the intron before coding-DNA position 1450, C replaced by G.
Molecular consequence: intron variant.
Genome position (GRCh38, 1-based): chr22:20,994,101, C>G. VCF-style: chr22-20994101-C-G. GRCh37 (hg19) VCF-style: chr22-21348390-C-G.
Identifiers: ClinVar variation 3707563 (VCV003707563.2).
Genomic context (GRCh38, chr22:20,994,101, plus strand): 5'-CCCTGACCTGGCAGCCATGCCTGGTGTCCACTGGGGTGTCCTTGAGCTCCCTTCTCCCCA[C>G]AGAAGCTGGAGCAGGAGGCCGCCCCAGTTCCCAGGGAGGCCCCCGGCGTGGCTGCTGGTG-3'